The following is an entry in ClinVar:

NC_000016.9:g.(?_5121851)_(5125557_?)del

Gene: ALG1 (ALG1 chitobiosyldiphosphodolichol beta-mannosyltransferase; plus strand). Cytogenetic location: 16p13.3.
Variant type: Deletion.
Identifiers: ClinVar variation 2426514 (VCV002426514.4).

ClinVar aggregate classification (germline): Pathogenic (1 of 4 stars; one submission).

Conditions:
ALG1-congenital disorder of glycosylation. Also called: ALG1-CDG; CONGENITAL DISORDER OF GLYCOSYLATION, TYPE Ik; CDG Ik. Identifiers: Orphanet 79327, MedGen C2931005, MONDO:0012052, OMIM 608540.

Submission:

Labcorp Genetics (formerly Invitae), Labcorp
Classification: Pathogenic for ALG1-congenital disorder of glycosylation. Last evaluated: 2024-01-17. Review status: criteria provided, single submitter. Criteria: Invitae Variant Classification Sherloc (09022015). Collection method: clinical testing. Allele origin: germline.
Comment: This variant is a gross deletion of the genomic region encompassing exon(s) 1-4 of the ALG1 gene, which includes the initiator codon. This deletion extends beyond the assayed region for this gene and therefore may encompass additional genes. It is expected to result in an absent or disrupted protein product. Loss-of-function variants in ALG1 are known to be pathogenic (PMID: 20679665, 23806237). This variant has not been reported in the literature in individuals affected with ALG1-related conditions. For these reasons, this variant has been classified as Pathogenic.

Literature cited by the submitters: PubMed 20679665; PubMed 23806237.